The following is an entry in ClinVar:

ClinVar aggregate classification (germline): Uncertain significance (1 of 4 stars; one submission).

Conditions:
Cardiovascular phenotype. Identifiers: MedGen CN230736.

Submission:

Ambry Genetics
Classification: Uncertain significance for Cardiovascular phenotype. Last evaluated: 2024-04-04. Review status: criteria provided, single submitter. Criteria: Ambry Variant Classification Scheme 2023. Collection method: clinical testing. Allele origin: germline.
Comment: The p.G68A variant (also known as c.203G>C), located in coding exon 3 of the EPHB4 gene, results from a G to C substitution at nucleotide position 203. The glycine at codon 68 is replaced by alanine, an amino acid with similar properties. This amino acid position is conserved. In addition, this alteration is predicted to be tolerated by in silico analysis. Based on the available evidence, the clinical significance of this variant remains unclear.

NM_004444.5(EPHB4):c.203G>C (p.Gly68Ala)

Gene: EPHB4 (EPH receptor B4; minus strand). Cytogenetic location: 7q22.1.
Variant type: single nucleotide variant.
Coding change: c.203G>C on transcript NM_004444.5 (MANE Select); coding-DNA position 203, G replaced by C.
Protein change: p.Gly68Ala; replaces glycine 68 with alanine.
Molecular consequence: missense variant.
Genome position (GRCh38, 1-based): chr7:100,823,852, C>G on the plus strand (G>C on the coding strand, the complement: EPHB4 is on the minus strand). VCF-style: chr7-100823852-C-G. GRCh37 (hg19) VCF-style: chr7-100421474-C-G.
Other names: short protein forms G68A.
Identifiers: ClinVar variation 3275973 (VCV003275973.1).
Genomic context (GRCh38, chr7:100,823,852, plus strand): 5'-GCGTACACGTGGACGGCGCCCCGCCGTGGGACCCAACCTGTGCGAAGCCAGTGGGCCTGG[C>G]CCGGGGCACGCTGCACGTCACACACTTCGTAGGTGCGCACGCTGTGCTGTTCCTCATCCA-3'
Protein context (NP_004435.3, residues 58-78): YEVCDVQRAP[Gly68Ala]QAHWLRTGWV